The following is an entry in ClinVar:

NM_174936.4(PCSK9):c.1813G>A (p.Gly605Ser)

Gene: PCSK9 (proprotein convertase subtilisin/kexin type 9; plus strand). Cytogenetic location: 1p32.3.
Variant type: single nucleotide variant.
Coding change: c.1813G>A on transcript NM_174936.4 (MANE Select); coding-DNA position 1813, G replaced by A.
Protein change: p.Gly605Ser; replaces glycine 605 with serine.
Molecular consequence: missense variant. On other transcripts: non-coding transcript variant (8).
Genome position (GRCh38, 1-based): chr1:55,061,506, G>A. VCF-style: chr1-55061506-G-A. GRCh37 (hg19) VCF-style: chr1-55527179-G-A.
Other names: c.1936G>A, p.Gly646Ser (NM_001407240.1); c.1855G>A, p.Gly619Ser (NM_001407241.1); c.1816G>A, p.Gly606Ser (NM_001407242.1); c.1756G>A, p.Gly586Ser (NM_001407243.1); c.1639G>A, p.Gly547Ser (NM_001407244.1); c.1621G>A, p.Gly541Ser (NM_001407245.1); c.1438G>A, p.Gly480Ser (NM_001407246.1); c.1312G>A, p.Gly438Ser (NM_001407247.1); short protein forms G646S, G480S, G606S, G586S, G605S, G438S, G541S, G547S.
Identifiers: ClinVar variation 3415997 (VCV003415997.2).
Genomic context (GRCh38, chr1:55,061,506, plus strand): 5'-CCCAACCAGTGCGTGGGCCACAGGGAGGCCAGCATCCACGCTTCCTGCTGCCATGCCCCA[G>A]GTCTGGAATGCAAAGTCAAGGAGCATGGAATCCCGGCCCCTCAGGAGCAGGTGAAGAGGC-3'
Protein context (NP_777596.2, residues 595-615): SIHASCCHAP[Gly605Ser]LECKVKEHGI

ClinVar aggregate classification (germline): Uncertain significance (1 of 4 stars; one submission).

Conditions:
Cardiovascular phenotype. Identifiers: MedGen CN230736.

Submission:

Ambry Genetics
Classification: Uncertain significance for Cardiovascular phenotype. Last evaluated: 2026-09-11. Review status: criteria provided, single submitter. Criteria: Ambry Variant Classification Scheme 2023. Collection method: clinical testing. Allele origin: germline.
Comment: The p.G605S variant (also known as c.1813G>A), located in coding exon 11 of the PCSK9 gene, results from a G to A substitution at nucleotide position 1813. The glycine at codon 605 is replaced by serine, an amino acid with similar properties. This amino acid position is conserved. In addition, this alteration is predicted to be tolerated by in silico analysis. Based on the available evidence, the clinical significance of this variant remains unclear.